The following is an entry in ClinVar:

ClinVar aggregate classification (germline): Pathogenic/Likely pathogenic. Review status: criteria provided, multiple submitters, no conflicts (2 of 4 stars). 2 submissions from 2 submitters: Pathogenic (1); Likely pathogenic (1). Last evaluated 2026-04-13.

Conditions:
Hereditary cancer-predisposing syndrome. Also called: Hereditary Cancer Syndrome; Neoplastic Syndromes, Hereditary; Tumor predisposition; Hereditary neoplastic syndrome. Identifiers: Orphanet 140162, MedGen C0027672, MeSH D009386, MONDO:0015356.
Familial cancer of breast. Also called: BREAST CANCER, FAMILIAL; Hereditary breast cancer; hereditary breast carcinoma. Identifiers: Orphanet 227535, MedGen C0346153, MONDO:0016419, OMIM 114480. Disease mechanism: loss of function.

Submissions (2):

Ambry Genetics
Classification: Pathogenic for Hereditary cancer-predisposing syndrome. Last evaluated: 2026-04-13. Review status: criteria provided, single submitter. Criteria: Ambry Variant Classification Scheme 2023. Collection method: clinical testing. Allele origin: germline.
Comment: The c.403delG pathogenic mutation, located in coding exon 4 of the BRIP1 gene, results from a deletion of one nucleotide at nucleotide position 403, causing a translational frameshift with a predicted alternate stop codon (p.A135Lfs*22). This variant is considered to be rare based on population cohorts in the Genome Aggregation Database (gnomAD). This variant is expected to result in loss of function by premature protein truncation or nonsense-mediated mRNA decay. As such, this variant is interpreted as a disease-causing mutation.

Institute of Human Genetics, University of Leipzig Medical Center
Classification: Likely pathogenic for Familial cancer of breast. Last evaluated: 2018-07-09. Review status: criteria provided, single submitter. Criteria: ACMG Guidelines, 2015. Collection method: clinical testing. Allele origin: germline. Affected: yes. Observed: 1 variant allele.

NM_032043.3(BRIP1):c.403del (p.Ala135fs)

Gene: BRIP1 (BRCA1 interacting DNA helicase 1; minus strand). Cytogenetic location: 17q23.2.
Variant type: Deletion.
Coding change: c.403del on transcript NM_032043.3 (MANE Select); coding-DNA position 403, one base deleted (G; older notation c.403delG).
Protein change: p.Ala135fs; shifts the reading frame from alanine 135.
Molecular consequence: frameshift variant.
Genome position (GRCh38, 1-based): chr17:61,849,233, C deleted on the plus strand (G on the coding strand, the reverse complement: BRIP1 is on the minus strand); the first of 2 consecutive C bases (chr17:61,849,233-61,849,234); deleting either gives the same sequence. VCF-style (leftmost placement, unchanged base first): chr17-61849232-GC-G. GRCh37 (hg19) VCF-style: chr17-59926593-GC-G.
Other names: c.403delG (NM_032043.2); short protein forms A135fs.
Identifiers: ClinVar variation 976179 (VCV000976179.3), dbSNP rs2078781062, ClinGen allele CA1139665808.